The following is an entry in ClinVar:

ClinVar aggregate classification (germline): Uncertain significance (0 of 4 stars; one submission).

Conditions:
BDNF-related disorder. Also called: BDNF-related condition.

Allele frequency attached by ClinVar (database versions not stated): TOPMed below 0.00001.

Submission:

PreventionGenetics, part of Exact Sciences
Classification: Uncertain significance for BDNF-related condition. Last evaluated: 2024-01-31. Review status: no assertion criteria provided. Collection method: clinical testing. Allele origin: germline.
Comment: The BDNF c.400G>A variant is predicted to result in the amino acid substitution p.Gly134Ser. To our knowledge, this variant has not been reported in the literature. This variant is reported in 0.0029% of alleles in individuals of Latino descent in gnomAD. At this time, the clinical significance of this variant is uncertain due to the absence of conclusive functional and genetic evidence.

NM_001709.5(BDNF):c.154G>A (p.Gly52Ser)

Genes: BDNF-AS (BDNF antisense RNA; plus strand), BDNF (brain derived neurotrophic factor; minus strand). Cytogenetic location: 11p14.1.
Variant type: single nucleotide variant.
Coding change: c.154G>A on transcript NM_001709.5 (MANE Select); coding-DNA position 154, G replaced by A.
Protein change: p.Gly52Ser; replaces glycine 52 with serine.
Molecular consequence: missense variant. On other transcripts: non-coding transcript variant (5).
Genome position (GRCh38, 1-based): chr11:27,658,411, C>T on the plus strand (G>A on the coding strand, the complement: BDNF is on the minus strand). VCF-style: chr11-27658411-C-T. GRCh37 (hg19) VCF-style: chr11-27679958-C-T.
Other names: c.154G>A, p.Gly52Ser (NM_001143805.1, NM_001143806.1, NM_001143807.2 and 9 more transcripts); c.241G>A, p.Gly81Ser (NM_001143809.2); c.400G>A, p.Gly134Ser (NM_001143810.2); c.178G>A, p.Gly60Ser (NM_170731.5); c.199G>A, p.Gly67Ser (NM_170734.4); short protein forms G134S, G52S, G60S, G67S, G81S.
Identifiers: ClinVar variation 3050887 (VCV003050887.2), dbSNP rs1451603364, ClinGen allele CA380074700.
Genomic context (GRCh38, chr11:27,658,411, plus strand): 5'-CCAACAGCTCTTCTATCACGTGTTCGAAAGTGTCAGCCAATGATGTCAAGCCTCTTGAAC[C>T]TGCCTTGGGCCCATTCACGCTCTCCAGAGTCCCATGGGTCCGCACACCTGGGTAGGCCAA-3'
Protein context (NP_001700.2, residues 42-62): TLESVNGPKA[Gly52Ser]SRGLTSLADT